The following is an entry in ClinVar:

NM_024027.5(COLEC11):c.636C>T (p.Gly212=)

Gene: COLEC11 (collectin subfamily member 11; plus strand). Cytogenetic location: 2p25.3.
Variant type: single nucleotide variant.
Coding change: c.636C>T on transcript NM_024027.5 (MANE Select); coding-DNA position 636, C replaced by T.
Protein change: p.Gly212=; no amino-acid change (glycine 212 retained).
Molecular consequence: synonymous variant. On other transcripts: non-coding transcript variant (1).
Genome position (GRCh38, 1-based): chr2:3,643,938, C>T. VCF-style: chr2-3643938-C-T. GRCh37 (hg19) VCF-style: chr2-3691528-C-T.
Other names: c.564C>T, p.Gly188= (NM_001255982.2, NM_001255983.2); c.492C>T, p.Gly164= (NM_001255984.2); c.678C>T, p.Gly226= (NM_001255985.1); c.558C>T, p.Gly186= (NM_001255986.1); c.486C>T, p.Gly162= (NM_001255987.1, NM_001255988.1); c.414C>T, p.Gly138= (NM_001255989.1); c.627C>T, p.Gly209= (NM_199235.3).
Identifiers: ClinVar variation 2185870 (VCV002185870.7), dbSNP rs141570591, ClinGen allele CA1517116.

ClinVar aggregate classification (germline): Likely benign. Review status: criteria provided, multiple submitters, no conflicts (2 of 4 stars). 3 submissions from 3 submitters: Likely benign (2). 1 of the submissions does not count toward it. Last evaluated 2024-10-24.

Conditions:
COLEC11-related disorder. Also called: COLEC11-related condition.

Allele frequency attached by ClinVar (database versions not stated): ExAC 0.00004; gnomAD exomes 0.00007; ESP Exome Variant Server 0.00008; 1000 Genomes Project 30x 0.00016; 1000 Genomes Project 0.00020; gnomAD 0.00021; TOPMed 0.00024.
gnomAD v4.1: 129 of 1,614,160 alleles (0.008%); highest among the groups gnomAD compares: African/African-American, 0.064%; no homozygotes.

Submissions (3):

Blueprint Genetics
Classification: Likely benign. Last evaluated: 2024-10-24. Review status: criteria provided, single submitter. Criteria: ACMG Guidelines, 2015. Collection method: clinical testing. Allele origin: germline.

Labcorp Genetics (formerly Invitae), Labcorp
Classification: Likely benign. Last evaluated: 2022-06-26. Review status: criteria provided, single submitter. Criteria: Invitae Variant Classification Sherloc (09022015). Collection method: clinical testing. Allele origin: germline.

PreventionGenetics, part of Exact Sciences
Classification: Likely benign for COLEC11-related condition. Last evaluated: 2021-01-08. Review status: no assertion criteria provided. Collection method: clinical testing. Allele origin: germline. Not counted in ClinVar's aggregate classification.
Comment: This variant is classified as likely benign based on ACMG/AMP sequence variant interpretation guidelines (Richards et al. 2015 PMID: 25741868, with internal and published modifications).